The following is an entry in ClinVar:

ClinVar aggregate classification (germline): Conflicting classifications of pathogenicity. Review status: criteria provided, conflicting classifications (1 of 4 stars). 15 submissions from 13 submitters: Uncertain significance (7); Benign (1); Likely benign (6). 1 of the submissions does not count toward it. Last evaluated 2026-09-09.

Conditions:
Ehlers-Danlos syndrome, arthrochalasia type. Also called: Ehlers-Danlos syndrome, arthrochalasia type, 1; ARTHROCHALASIS MULTIPLEX CONGENITA; EDS VII, MUTANT PROCOLLAGEN TYPE; EDS VIIA; Ehlers-Danlos syndrome, arthrochalasis type. Identifiers: Orphanet 1899, Orphanet 99875, Orphanet 99876, MedGen C4551623, MONDO:0007525, OMIM 130060.
COL1A1-related disorder. Also called: COL1A1-related condition; COL1A1- related disease.
Cardiovascular phenotype. Identifiers: MedGen CN230736.
Infantile cortical hyperostosis. Also called: Hyperostosis, Cortical, Congenital; P1PK BLOOD GROUP SYSTEM, P(2) PHENOTYPE; Caffey Disease. Identifiers: Orphanet 1310, MedGen C0020497, MONDO:0007244, OMIM 114000.
Osteogenesis imperfecta (OI). Identifiers: Orphanet 666, MedGen C0029434, MeSH D010013, MONDO:0019019.
Ehlers-Danlos syndrome (EDS). Identifiers: Orphanet 98249, MedGen C0013720, MONDO:0020066.
Osteogenesis imperfecta type I (OI1). Also called: OI, TYPE I; OSTEOGENESIS IMPERFECTA TARDA; OSTEOGENESIS IMPERFECTA WITH BLUE SCLERAE; Osteogenesis imperfecta type 1; Classic Non-deforming Osteogenesis Imperfecta with Blue Sclerae; Lobstein's Disease. Identifiers: Orphanet 216796, Orphanet 666, MedGen C0023931, MONDO:0008146, OMIM 166200. Disease mechanism: loss of function.

Allele frequency attached by ClinVar (database versions not stated): ESP Exome Variant Server 0.00008; gnomAD exomes 0.00016 and 0.00025; TOPMed 0.00017; ExAC 0.00020; gnomAD 0.00020 and 0.00021.
gnomAD v4.1: 389 of 1,613,208 alleles (0.024%); highest among the groups gnomAD compares: Non-Finnish European, 0.031%; no homozygotes.

Submissions (15):

GeneDx
Classification: Uncertain significance. Last evaluated: 2026-09-09. Review status: criteria provided, single submitter. Criteria: GeneDx Variant Classification Process June 2021. Collection method: clinical testing. Allele origin: germline.
Comment: Reported in an individual with features of a connective tissue disorder who underwent exome sequencing (PMID: 26633542); Occurs in the triple helical domain at the X position in the canonical Gly-X-Y repeat; although this variant may have an effect on normal protein folding and function, missense substitution at the X position is not a common mechanism of disease (HGMD); In silico analysis supports that this missense variant has a deleterious effect on protein structure/function; This variant is associated with the following publications: (PMID: 24273577, 26633542, 39582662, Tonk2024[paper], 39957537)

Center for Human Genetics, Inc
Classification: Likely benign for Osteogenesis imperfecta type I. Last evaluated: 2026-07-15. Review status: criteria provided, single submitter. Criteria: ACMG Guidelines, 2015. Collection method: clinical testing. Allele origin: germline. Affected: yes.

PreventionGenetics, part of Exact Sciences
Classification: Uncertain significance for COL1A1-related condition. Last evaluated: 2026-07-08. Review status: criteria provided, single submitter. Criteria: ACMG Guidelines, 2015. Collection method: clinical testing. Allele origin: germline.
Comment: The COL1A1 c.1691G>A variant is predicted to result in the amino acid substitution p.Arg564His. This variant has been reported in an individual undergoing exome sequencing who presented with an abnormality of connective tissue, however information regarding inheritance of the variant or additional clinical features was not reported (Supplemental Table 3, Retterer et al. 2016. PubMed ID: 26633542). This variant is reported in 0.031% of alleles in individuals of European (Non-Finnish) descent in gnomAD, which may be too frequent to be associated with high penetrance. This variant has conflicting interpretations in ClinVar ranging from uncertain to benign. Although we suspect that this variant may be benign, at this time, the clinical significance of this variant is uncertain due to the absence of conclusive functional and genetic evidence.

Women's Health and Genetics/Laboratory Corporation of America, LabCorp
Classification: Likely benign. Last evaluated: 2026-06-29. Review status: criteria provided, single submitter. Criteria: LabCorp Variant Classification Summary - May 2015. Collection method: clinical testing. Allele origin: germline.
Comment: Variant summary: COL1A1 c.1691G>A (p.Arg564His) results in a non-conservative amino acid change in the encoded protein sequence. Algorithms developed to predict the effect of missense changes on protein structure and function all suggest that this variant is likely to be disruptive. The variant allele was found at a frequency of 0.00016 in 251298 control chromosomes, predominantly at a frequency of 0.00033 within the Non-Finnish European subpopulation in the gnomAD database. The observed variant frequency within Non-Finnish European control individuals in the gnomAD database exceeds the estimated maximal expected allele frequency for disease-causing variants in COL1A1. c.1691G>A has been observed in individual(s) affected with COL1A1-related conditions (e.g. Retterer_2016, Sobering_2022, Panagiotopoulos_2024, Abegglen_2025). These report(s) do not provide unequivocal conclusions about association of the variant with disease. To our knowledge, no experimental evidence demonstrating an impact on protein function has been reported. The following publications have been ascertained in the context of this evaluation (PMID: 39957537, 39582662, 26633542, 35469323). ClinVar contains an entry for this variant (Variation ID: 418140). Based on the evidence outlined above, the variant was classified as likely benign.

Labcorp Genetics (formerly Invitae), Labcorp
Classification: Likely benign for Osteogenesis imperfecta type I. Last evaluated: 2026-01-19. Review status: criteria provided, single submitter. Criteria: Invitae Variant Classification Sherloc (09022015). Collection method: clinical testing. Allele origin: germline.

Ambry Genetics
Classification: Likely benign for Cardiovascular phenotype. Last evaluated: 2025-10-14. Review status: criteria provided, single submitter. Criteria: Ambry Variant Classification Scheme 2023. Collection method: clinical testing. Allele origin: germline.

ARUP Laboratories, Molecular Genetics and Genomics, ARUP Laboratories
Classification: Uncertain significance. Last evaluated: 2025-07-21. Review status: criteria provided, single submitter. Criteria: ARUP Molecular Germline Variant Investigation Process 2024. Collection method: clinical testing. Allele origin: germline.
Comment: The COL1A1 c.1691G>A; p.Arg564His variant (rs1800211, ClinVar Variation ID: 418140) is reported in the literature in two individuals with connective tissue abnormalities, including at least one diagnosis of hypermobile Ehlers-Danlos syndrome (Panagiotopoulos 2024, Retterer 2016). This variant is found in the non-Finnish European population with an allele frequency of 0.031% (40/129028 alleles) in the Genome Aggregation Database (v2.1.1). Computational analyses predict that this variant is deleterious (REVEL: 0.824). Due to limited information, the clinical significance of this variant is uncertain at this time. References: Panagiotopoulos M et al. Recurrent adnexal torsion in a teenager with hypermobile Ehlers-Danlos syndrome: A case report. Case Rep Womens Health. 2024 Nov 6;44:e00661. PMID: 39582662. Retterer K et al. Clinical application of whole-exome sequencing across clinical indications. Genet Med. 2016 Jul;18(7):696-704. PMID: 26633542.

Mayo Clinic Laboratories, Mayo Clinic
Classification: Uncertain significance. Last evaluated: 2025-01-20. Review status: criteria provided, single submitter. Criteria: ACMG Guidelines, 2015. Collection method: clinical testing. Allele origin: germline. Observed: 4 variant alleles.
Comment: BS1, PP2, PP3_moderate

Blueprint Genetics
Classification: Likely benign. Last evaluated: 2024-11-11. Review status: criteria provided, single submitter. Criteria: ACMG Guidelines, 2015. Collection method: clinical testing. Allele origin: germline.

Genome Diagnostics Laboratory, The Hospital for Sick Children
Classification: Uncertain significance for Ehlers-Danlos syndrome. Last evaluated: 2022-05-02. Review status: criteria provided, single submitter. Criteria: ACMG Guidelines, 2015. Collection method: clinical testing. Allele origin: germline.

MGZ Medical Genetics Center
Classification: Uncertain significance for Ehlers-Danlos syndrome, arthrochalasia type. Last evaluated: 2022-02-22. Review status: criteria provided, single submitter. Criteria: ACMG Guidelines, 2015. Collection method: clinical testing. Allele origin: germline. Affected: yes. Observed: 1 variant allele.
Comment: ACMG criteria applied: PM2_SUP, PP2, PP3

Illumina Laboratory Services, Illumina
Classification: Uncertain significance for Infantile cortical hyperostosis. Last evaluated: 2018-01-12. Review status: criteria provided, single submitter. Criteria: ICSL Variant Classification Criteria 13 December 2019. Collection method: clinical testing. Allele origin: germline.

Illumina Laboratory Services, Illumina
Classification: Benign for Ehlers-Danlos syndrome, arthrochalasia type. Last evaluated: 2018-01-12. Review status: criteria provided, single submitter. Criteria: ICSL Variant Classification Criteria 13 December 2019. Collection method: clinical testing. Allele origin: germline.
Comment: This variant was observed in the ICSL laboratory as part of a predisposition screen in an ostensibly healthy population. It had not been previously curated by ICSL or reported in the Human Gene Mutation Database (HGMD: prior to June 1st, 2018), and was therefore a candidate for classification through an automated scoring system. Utilizing variant allele frequency, disease prevalence and penetrance estimates, and inheritance mode, an automated score was calculated to assess if this variant is too frequent to cause the disease. Based on the score and internal cut-off values, a variant classified as benign is not then subjected to further curation. The score for this variant resulted in a classification of benign for this disease.

Illumina Laboratory Services, Illumina
Classification: Likely benign for Osteogenesis imperfecta. Last evaluated: 2018-01-12. Review status: criteria provided, single submitter. Criteria: ICSL Variant Classification Criteria 13 December 2019. Collection method: clinical testing. Allele origin: germline.
Comment: This variant was observed in the ICSL laboratory as part of a predisposition screen in an ostensibly healthy population. It had not been previously curated by ICSL or reported in the Human Gene Mutation Database (HGMD: prior to June 1st, 2018), and was therefore a candidate for classification through an automated scoring system. Utilizing variant allele frequency, disease prevalence and penetrance estimates, and inheritance mode, an automated score was calculated to assess if this variant is too frequent to cause the disease. Based on the score and internal cut-off values, a variant classified as likely benign is not then subjected to further curation. The score for this variant resulted in a classification of likely benign for this disease.

Zotz-Klimas Genetics Lab, MVZ Zotz Klimas
Classification: Uncertain significance for Ehlers-Danlos syndrome, arthrochalasia type. Last evaluated: 2023-10-30. Review status: no assertion criteria provided. Collection method: clinical testing. Allele origin: germline. Affected: yes. Not counted in ClinVar's aggregate classification.

Literature cited by the submitters: PubMed 26633542 (cited by 3 submitters); PubMed 35469323 (cited by Women's Health and Genetics/Laboratory Corporation of America, LabCorp and Ambry Genetics); PubMed 39957537 (cited by Women's Health and Genetics/Laboratory Corporation of America, LabCorp); PubMed 39582662 (cited by Women's Health and Genetics/Laboratory Corporation of America, LabCorp and Mayo Clinic Laboratories, Mayo Clinic); PubMed 38534782 (cited by Ambry Genetics); PubMed 17557158 (cited by Mayo Clinic Laboratories, Mayo Clinic); PubMed 24273577 (cited by Mayo Clinic Laboratories, Mayo Clinic).

NM_000088.4(COL1A1):c.1691G>A (p.Arg564His)

Gene: COL1A1 (collagen type I alpha 1 chain; minus strand). Cytogenetic location: 17q21.33.
Variant type: single nucleotide variant.
Coding change: c.1691G>A on transcript NM_000088.4 (MANE Select); coding-DNA position 1691, G replaced by A.
Protein change: p.Arg564His; replaces arginine 564 with histidine.
Molecular consequence: missense variant.
Genome position (GRCh38, 1-based): chr17:50,194,019, C>T on the plus strand (G>A on the coding strand, the complement: COL1A1 is on the minus strand). VCF-style: chr17-50194019-C-T. GRCh37 (hg19) VCF-style: chr17-48271380-C-T.
Other names: short protein forms R564H.
Identifiers: ClinVar variation 418140 (VCV000418140.39), dbSNP rs1800211, ClinGen allele CA8645135.
Genomic context (GRCh38, chr17:50,194,019, plus strand): 5'-CCAGGGAATCCCATCACACCAGCCTGACCACGGGCACCAGGTGGGCCTGGGGGTCCGGGG[C>T]GACCATCTTGACCGGCGGGACCCTAAGGATGGGAGGCACGAAAGCAGCAGTGAGGACAGC-3'
Protein context (NP_000079.2, residues 554-574): GPPGPAGQDG[Arg564His]PGPPGPPGAR